The following is an entry in ClinVar:

NM_016333.4(SRRM2):c.3215dup (p.Ser1073fs)

Gene: SRRM2 (serine/arginine repetitive matrix 2; plus strand). Cytogenetic location: 16p13.3.
Variant type: Duplication.
Coding change: c.3215dup on transcript NM_016333.4 (MANE Select); coding-DNA position 3215, one base duplicated (C; older notation c.3215dupC).
Protein change: p.Ser1073fs; shifts the reading frame from serine 1073.
Molecular consequence: frameshift variant.
Genome position (GRCh38, 1-based): chr16:2,763,743, C duplicated. VCF-style (leftmost placement, unchanged base first): chr16-2763742-T-TC. GRCh37 (hg19) VCF-style: chr16-2813743-T-TC.
Other names: short protein forms S1073fs.
Identifiers: ClinVar variation 4796633 (VCV004796633.1).

ClinVar aggregate classification (germline): Pathogenic (1 of 4 stars; one submission).

Conditions:
Intellectual developmental disorder, autosomal dominant 72 (MRD72). Identifiers: Orphanet 652487, MedGen C5830612, MONDO:0957397, OMIM 620439.

Submission:

Juno Genomics, Hangzhou Juno Genomics, Inc
Classification: Pathogenic for Intellectual developmental disorder, autosomal dominant 72. Review status: criteria provided, single submitter. Criteria: ACMG Guidelines, 2015. Collection method: clinical testing. Allele origin: germline. Affected: yes.
Comment: Absent from controls (or at extremely low frequency if recessive) in Genome Aggregation Database, Exome Sequencing Project, 1000 Genomes Project, or Exome Aggregation Consortium.;Null variant in a gene where loss of function (LOF) is a known mechanism of disease.;Patient's phenotype or family history is highly specific for a disease with a single genetic etiology.